The following is an entry in ClinVar:

ClinVar aggregate classification (germline): Likely pathogenic (1 of 4 stars; one submission).

Conditions:
Multiple acyl-CoA dehydrogenase deficiency (MADD). Also called: Glutaric Acidemia type 2; Glutaric acidemia type II; GA 2; ETHYLMALONIC-ADIPICACIDURIA; GA II; Glutaric aciduria, type 2. Identifiers: Orphanet 26791, MedGen C0268596, MONDO:0009282, OMIM 231680.

Allele frequency attached by ClinVar (database versions not stated): TOPMed below 0.00001; gnomAD 0.00001; gnomAD exomes 0.00001.
gnomAD v4.1: 12 of 1,613,894 alleles (0.00074%); highest among the groups gnomAD compares: South Asian, 0.0055%; no homozygotes.

Submission:

Labcorp Genetics (formerly Invitae), Labcorp
Classification: Likely pathogenic for Multiple acyl-CoA dehydrogenase deficiency. Last evaluated: 2024-05-19. Review status: criteria provided, single submitter. Criteria: Invitae Variant Classification Sherloc (09022015). Collection method: clinical testing. Allele origin: germline.
Comment: This sequence change replaces glutamine, which is neutral and polar, with histidine, which is basic and polar, at codon 125 of the ETFB protein (p.Gln125His). This variant also falls at the last nucleotide of exon 3, which is part of the consensus splice site for this exon. This variant is present in population databases (no rsID available, gnomAD 0.003%). This missense change has been observed in individual(s) with multiple acyl-CoA dehydrogenase deficiency (PMID: 12815589). This variant is also known as 217_375del, 375G>C+375_376ins9. ClinVar contains an entry for this variant (Variation ID: 2138318). An algorithm developed to predict the effect of missense changes on protein structure and function (PolyPhen-2) suggests that this variant is likely to be disruptive. Studies have shown that this missense change alters ETFB gene expression (PMID: 12815589). Variants that disrupt the consensus splice site are a relatively common cause of aberrant splicing (PMID: 17576681, 9536098). Algorithms developed to predict the effect of sequence changes on RNA splicing suggest that this variant may disrupt the consensus splice site. In summary, the currently available evidence indicates that the variant is pathogenic, but additional data are needed to prove that conclusively. Therefore, this variant has been classified as Likely Pathogenic.

Literature cited by the submitters: PubMed 12815589; PubMed 17576681; PubMed 9536098.

NM_001985.3(ETFB):c.375G>C (p.Gln125His)

Gene: ETFB (electron transfer flavoprotein subunit beta; minus strand). Cytogenetic location: 19q13.41.
Variant type: single nucleotide variant.
Coding change: c.375G>C on transcript NM_001985.3 (MANE Select); coding-DNA position 375, G replaced by C.
Protein change: p.Gln125His; replaces glutamine 125 with histidine.
Molecular consequence: missense variant.
Genome position (GRCh38, 1-based): chr19:51,353,132, C>G on the plus strand (G>C on the coding strand, the complement: ETFB is on the minus strand). VCF-style: chr19-51353132-C-G. GRCh37 (hg19) VCF-style: chr19-51856386-C-G.
Other names: c.648G>C, p.Gln216His (NM_001014763.1); short protein forms Q216H, Q125H.
Identifiers: ClinVar variation 2138318 (VCV002138318.4), dbSNP rs1173733121, ClinGen allele CA407082354.